The following is an entry in ClinVar:

NM_001369.3(DNAH5):c.13862G>A (p.Cys4621Tyr)

Gene: DNAH5 (dynein axonemal heavy chain 5; minus strand). Cytogenetic location: 5p15.2.
Variant type: single nucleotide variant.
Coding change: c.13862G>A on transcript NM_001369.3 (MANE Select); coding-DNA position 13862, G replaced by A.
Protein change: p.Cys4621Tyr; replaces cysteine 4621 with tyrosine.
Molecular consequence: missense variant.
Genome position (GRCh38, 1-based): chr5:13,691,997, C>T on the plus strand (G>A on the coding strand, the complement: DNAH5 is on the minus strand). VCF-style: chr5-13691997-C-T. GRCh37 (hg19) VCF-style: chr5-13692106-C-T.
Other names: short protein forms C4621Y.
Identifiers: ClinVar variation 454747 (VCV000454747.9), dbSNP rs1554012799, ClinGen allele CA359188505.

ClinVar aggregate classification (germline): Uncertain significance (1 of 4 stars; one submission).

Conditions:
Primary ciliary dyskinesia. Also called: Ciliary dyskinesia. Identifiers: Orphanet 244, MedGen C0008780, MONDO:0016575, HP:0012265.

Allele frequency attached by ClinVar (database versions not stated): gnomAD exomes below 0.00001.
gnomAD v4.1: 1 of 1,614,094 alleles (0.000062%); highest among the groups gnomAD compares: East Asian, 0.0022%; no homozygotes.

Submission:

Labcorp Genetics (formerly Invitae), Labcorp
Classification: Uncertain significance for Primary ciliary dyskinesia. Last evaluated: 2017-04-10. Review status: criteria provided, single submitter. Criteria: Invitae Variant Classification Sherloc (09022015). Collection method: clinical testing. Allele origin: germline.
Comment: In summary, this variant is a novel missense change with uncertain impact on protein function. It has been classified as a Variant of Uncertain Significance. Algorithms developed to predict the effect of missense changes on protein structure and function do not agree on the potential impact of this missense change (SIFT: "Deleterious"; PolyPhen-2: "Possibly Damaging"; Align-GVGD: "Class C0"). This variant is not present in population databases (ExAC no frequency) and has not been reported in the literature in individuals with a DNAH5-related disease. This sequence change replaces cysteine with tyrosine at codon 4621 of the DNAH5 protein (p.Cys4621Tyr). The cysteine residue is highly conserved and there is a large physicochemical difference between cysteine and tyrosine.